The following is an entry in ClinVar:

ClinVar aggregate classification (germline): Uncertain significance (1 of 4 stars; one submission).

Conditions:
Retinal dystrophy and microvillus inclusion disease. Identifiers: MedGen C5561943, MONDO:0859170, OMIM 619446.

gnomAD v4.1: 3 of 1,594,430 alleles (0.00019%); highest among the groups gnomAD compares: African/African-American, 0.0013%; no homozygotes.

Submission:

Dasa
Classification: Uncertain significance for Retinal dystrophy and microvillus inclusion disease. Last evaluated: 2026-01-06. Review status: criteria provided, single submitter. Criteria: DASA Assertion Criteria. Collection method: clinical testing. Allele origin: germline.
Comment: NM_004177.5(STX3):c.115-28A>G is an intronic variant. This variant is rare in population databases. Computational prediction algorithms are consistent with a deleterious effect. The currently available literature and clinical evidence are not sufficient to establish a definitive association between this variant and the reported condition. Therefore, this variant is classified as a variant of uncertain significance.

NM_004177.5(STX3):c.115-28A>G

Gene: STX3 (syntaxin 3; plus strand). Cytogenetic location: 11q12.1.
Variant type: single nucleotide variant.
Coding change: c.115-28A>G on transcript NM_004177.5 (MANE Select); 28 bases into the intron before coding-DNA position 115, A replaced by G.
Molecular consequence: intron variant.
Genome position (GRCh38, 1-based): chr11:59,787,009, A>G. VCF-style: chr11-59787009-A-G. GRCh37 (hg19) VCF-style: chr11-59554482-A-G.
Other names: c.115-28A>G (NM_001440524.1, NM_001440526.1, NM_001440529.1 and 7 more transcripts); c.109-28A>G (NM_001440528.1).
Identifiers: ClinVar variation 4882592 (VCV004882592.2).